The following is an entry in ClinVar:

ClinVar aggregate classification (germline): Likely benign. Review status: criteria provided, multiple submitters, no conflicts (2 of 4 stars). 3 submissions from 3 submitters: Likely benign (2). 1 of the submissions does not count toward it. Last evaluated 2026-01-25.

Conditions:
Inborn genetic diseases. Identifiers: MedGen C0950123, MeSH D030342.
Hypomyelination and Congenital Cataract (HLD5). Also called: hypomyelinating leukodystrophy 5. Identifiers: Orphanet 85163, MedGen C1864663, MONDO:0012514, OMIM 610532.
HYCC1-related disorder. Also called: HYCC1-related condition.

Allele frequency attached by ClinVar (database versions not stated): gnomAD exomes 0.00016 and 0.00039; ExAC 0.00046; TOPMed 0.00188; gnomAD 0.00192 and 0.00207; 1000 Genomes Project 0.00200; 1000 Genomes Project 30x 0.00203; ESP Exome Variant Server 0.00215.
gnomAD v4.1: 528 of 1,613,422 alleles (0.033%); highest among the groups gnomAD compares: African/African-American, 0.63%; 1 homozygote.

Submissions (3):

Labcorp Genetics (formerly Invitae), Labcorp
Classification: Likely benign for Hypomyelination and Congenital Cataract. Last evaluated: 2026-01-25. Review status: criteria provided, single submitter. Criteria: Invitae Variant Classification Sherloc (09022015). Collection method: clinical testing. Allele origin: germline.

Ambry Genetics
Classification: Likely benign for Inborn genetic diseases. Last evaluated: 2021-12-07. Review status: criteria provided, single submitter. Criteria: Ambry Variant Classification Scheme 2023. Collection method: clinical testing. Allele origin: germline.

PreventionGenetics, part of Exact Sciences
Classification: Likely benign for HYCC1-related condition. Last evaluated: 2019-11-18. Review status: no assertion criteria provided. Collection method: clinical testing. Allele origin: germline. Not counted in ClinVar's aggregate classification.
Comment: This variant is classified as likely benign based on ACMG/AMP sequence variant interpretation guidelines (Richards et al. 2015 PMID: 25741868, with internal and published modifications).

NM_032581.4(HYCC1):c.1064C>T (p.Ala355Val)

Gene: HYCC1 (hyccin PI4KA lipid kinase complex subunit 1; minus strand). Cytogenetic location: 7p15.3.
Variant type: single nucleotide variant.
Coding change: c.1064C>T on transcript NM_032581.4 (MANE Select); coding-DNA position 1064, C replaced by T.
Protein change: p.Ala355Val; replaces alanine 355 with valine.
Molecular consequence: missense variant. On other transcripts: 3 prime UTR variant (2).
Genome position (GRCh38, 1-based): chr7:22,946,091, G>A on the plus strand (C>T on the coding strand, the complement: HYCC1 is on the minus strand). VCF-style: chr7-22946091-G-A. GRCh37 (hg19) VCF-style: chr7-22985710-G-A.
Other names: c.*100C>T (NM_001363466.2); c.*58C>T (NM_001363467.2); short protein forms A355V.
Identifiers: ClinVar variation 702183 (VCV000702183.13), dbSNP rs115568145, ClinGen allele CA4185800.